The following is an entry in ClinVar:

ClinVar aggregate classification (germline): Uncertain significance (1 of 4 stars; one submission).

Conditions:
Neuropathy, hereditary sensory and autonomic, type 2A (HSAN2A). Also called: ACROOSTEOLYSIS, GIACCAI TYPE; ACROOSTEOLYSIS, NEUROGENIC; MORVAN DISEASE; NEUROPATHY, CONGENITAL SENSORY; NEUROPATHY, HEREDITARY SENSORY RADICULAR, AUTOSOMAL RECESSIVE; NEUROPATHY, HEREDITARY SENSORY, TYPE IIA. Identifiers: Orphanet 970, MedGen C2752089, MONDO:0024309, OMIM 201300.
Pseudohypoaldosteronism type 2C (PHA2C). Also called: Pseudohypoaldosteronism Type IIC. Identifiers: Orphanet 757, Orphanet 88940, MedGen C1840391, MONDO:0013778, OMIM 614492.

Allele frequency attached by ClinVar (database versions not stated): gnomAD exomes below 0.00001.
gnomAD v4.1: 1 of 1,612,334 alleles (0.000062%); highest among the groups gnomAD compares: Non-Finnish European, 0.000085%; no homozygotes.

Submission:

Labcorp Genetics (formerly Invitae), Labcorp
Classification: Uncertain significance for Neuropathy, hereditary sensory and autonomic, type 2A; Pseudohypoaldosteronism type 2C. Last evaluated: 2022-03-31. Review status: criteria provided, single submitter. Criteria: Invitae Variant Classification Sherloc (09022015). Collection method: clinical testing. Allele origin: germline.
Comment: In summary, the available evidence is currently insufficient to determine the role of this variant in disease. Therefore, it has been classified as a Variant of Uncertain Significance. Advanced modeling of protein sequence and biophysical properties (such as structural, functional, and spatial information, amino acid conservation, physicochemical variation, residue mobility, and thermodynamic stability) performed at Invitae indicates that this missense variant is not expected to disrupt WNK1 protein function. This variant has not been reported in the literature in individuals affected with WNK1-related conditions. This variant is not present in population databases (gnomAD no frequency). This sequence change replaces serine, which is neutral and polar, with proline, which is neutral and non-polar, at codon 29 of the WNK1 protein (p.Ser29Pro).

NM_018979.4(WNK1):c.85T>C (p.Ser29Pro)

Gene: WNK1 (WNK lysine deficient protein kinase 1; plus strand). Cytogenetic location: 12p13.33.
Variant type: single nucleotide variant.
Coding change: c.85T>C on transcript NM_018979.4 (MANE Select); coding-DNA position 85, T replaced by C.
Protein change: p.Ser29Pro; replaces serine 29 with proline.
Molecular consequence: missense variant.
Genome position (GRCh38, 1-based): chr12:753,650, T>C. VCF-style: chr12-753650-T-C. GRCh37 (hg19) VCF-style: chr12-862816-T-C.
Other names: c.85T>C, p.Ser29Pro (NM_001184985.2, NM_014823.3, NM_213655.5); short protein forms S29P.
Identifiers: ClinVar variation 2119859 (VCV002119859.4), dbSNP rs966530109, ClinGen allele CA383303596.